The following is an entry in ClinVar:

NM_138927.4(SON):c.4451T>C (p.Met1484Thr)

Gene: SON (SON DNA and RNA binding protein; plus strand). Cytogenetic location: 21q22.11.
Variant type: single nucleotide variant.
Coding change: c.4451T>C on transcript NM_138927.4 (MANE Select); coding-DNA position 4451, T replaced by C.
Protein change: p.Met1484Thr; replaces methionine 1484 with threonine.
Molecular consequence: missense variant. On other transcripts: non-coding transcript variant (1), intron variant (1).
Genome position (GRCh38, 1-based): chr21:33,553,682, T>C. VCF-style: chr21-33553682-T-C. GRCh37 (hg19) VCF-style: chr21-34925988-T-C.
Other names: c.4451T>C, p.Met1484Thr (NM_001291411.2, NM_032195.3); c.245-3474T>C (NM_001291412.3); short protein forms M1484T.
Identifiers: ClinVar variation 1331047 (VCV001331047.11), dbSNP rs768725387, ClinGen allele CA410162651.

ClinVar aggregate classification (germline): Uncertain significance. Review status: criteria provided, multiple submitters, no conflicts (2 of 4 stars). 2 submissions from 2 submitters: Uncertain significance (2). Last evaluated 2022-07-07.

Conditions:
ZTTK syndrome (ZTTKS). Also called: Zhu-Tokita-Takenouchi-Kim Syndrome; ZTTK MULTIPLE CONGENITAL ANOMALIES-MENTAL RETARDATION SYNDROME. Identifiers: Orphanet 500150, MedGen C4310696, MONDO:0014936, OMIM 617140.

Allele frequency attached by ClinVar (database versions not stated): gnomAD 0.00001; TOPMed 0.00001.

Submissions (2):

Labcorp Genetics (formerly Invitae), Labcorp
Classification: Uncertain significance. Last evaluated: 2022-07-07. Review status: criteria provided, single submitter. Criteria: Invitae Variant Classification Sherloc (09022015). Collection method: clinical testing. Allele origin: germline.
Comment: In summary, the available evidence is currently insufficient to determine the role of this variant in disease. Therefore, it has been classified as a Variant of Uncertain Significance. Algorithms developed to predict the effect of missense changes on protein structure and function are either unavailable or do not agree on the potential impact of this missense change (SIFT: "Deleterious"; PolyPhen-2: "Benign"; Align-GVGD: "Class C0"). ClinVar contains an entry for this variant (Variation ID: 1331047). This missense change has been observed in individual(s) with clinical features of SON-related conditions (PMID: 32368696). This variant is present in population databases (no rsID available, gnomAD 0.003%). This sequence change replaces methionine, which is neutral and non-polar, with threonine, which is neutral and polar, at codon 1484 of the SON protein (p.Met1484Thr).

ARUP Laboratories, Molecular Genetics and Genomics, ARUP Laboratories
Classification: Uncertain significance for ZTTK syndrome. Last evaluated: 2021-09-08. Review status: criteria provided, single submitter. Criteria: ARUP Molecular Germline Variant Investigation Process 2021. Collection method: clinical testing. Allele origin: germline.

Literature cited by the submitters: PubMed 32368696 (cited by Labcorp Genetics (formerly Invitae), Labcorp).